The following is an entry in ClinVar:

NM_000136.3(FANCC):c.338G>A (p.Trp113Ter)

Gene: FANCC (FA complementation group C; minus strand). Cytogenetic location: 9q22.32.
Variant type: single nucleotide variant.
Coding change: c.338G>A on transcript NM_000136.3 (MANE Select); coding-DNA position 338, G replaced by A.
Protein change: p.Trp113Ter; replaces tryptophan 113 with a stop codon.
Molecular consequence: nonsense.
Genome position (GRCh38, 1-based): chr9:95,240,656, C>T on the plus strand (G>A on the coding strand, the complement: FANCC is on the minus strand). VCF-style: chr9-95240656-C-T. GRCh37 (hg19) VCF-style: chr9-98002938-C-T.
Other names: c.338G>A, p.Trp113Ter (NM_001243744.2, NM_001243743.2); short protein forms W113*.
Identifiers: ClinVar variation 823708 (VCV000823708.17), dbSNP rs1064793405, ClinGen allele CA374339183.

ClinVar aggregate classification (germline): Pathogenic. Review status: criteria provided, multiple submitters, no conflicts (2 of 4 stars). 5 submissions from 5 submitters: Pathogenic (4). 1 of the submissions does not count toward it. Last evaluated 2024-05-28.

Conditions:
Hereditary cancer-predisposing syndrome. Also called: Neoplastic Syndromes, Hereditary; Tumor predisposition; Hereditary neoplastic syndrome; Hereditary Cancer Syndrome. Identifiers: Orphanet 140162, MedGen C0027672, MeSH D009386, MONDO:0015356.
Fanconi anemia complementation group C (FANCC). Also called: FANCONI PANCYTOPENIA, TYPE 3; FACC; Fanconi anemia, group C; FANCC-Related Fanconi Anemia. Identifiers: Orphanet 84, MedGen C3468041, MONDO:0009213, OMIM 227645.
Fanconi anemia (FA). Also called: Fanconi's anemia. Identifiers: Orphanet 84, MedGen C0015625, MeSH D005199, MONDO:0019391.

Allele frequency attached by ClinVar (database versions not stated): gnomAD exomes below 0.00001.
gnomAD v4.1: 3 of 1,602,570 alleles (0.00019%); highest among the groups gnomAD compares: Non-Finnish European, 0.00026%; no homozygotes.

Submissions (5):

Fulgent Genetics
Classification: Pathogenic for Fanconi anemia complementation group C. Last evaluated: 2024-05-28. Review status: criteria provided, single submitter. Criteria: ACMG Guidelines, 2015. Collection method: clinical testing. Allele origin: germline.

Mendelics
Classification: Pathogenic for Fanconi anemia complementation group C. Last evaluated: 2022-05-04. Review status: criteria provided, single submitter. Criteria: Mendelics Assertion Criteria 2019. Collection method: clinical testing. Allele origin: germline.

Ambry Genetics
Classification: Pathogenic for Hereditary cancer-predisposing syndrome. Last evaluated: 2019-10-29. Review status: criteria provided, single submitter. Criteria: Ambry Variant Classification Scheme 2023. Collection method: clinical testing. Allele origin: germline.
Comment: The p.W113* pathogenic mutation (also known as c.338G>A), located in coding exon 3 of the FANCC gene, results from a G to A substitution at nucleotide position 338. This changes the amino acid from a tryptophan to a stop codon within coding exon 3. In addition to the clinical data presented in the literature, this alteration is expected to result in loss of function by premature protein truncation or nonsense-mediated mRNA decay. As such, this alteration is interpreted as a disease-causing mutation.

Labcorp Genetics (formerly Invitae), Labcorp
Classification: Pathogenic for Fanconi anemia. Last evaluated: 2019-09-10. Review status: criteria provided, single submitter. Criteria: Invitae Variant Classification Sherloc (09022015). Collection method: clinical testing. Allele origin: germline.
Comment: For these reasons, this variant has been classified as Pathogenic. Loss-of-function variants in FANCC are known to be pathogenic (PMID: 17924555). Algorithms developed to predict the effect of sequence changes on RNA splicing suggest that this variant may create or strengthen a splice site, but this prediction has not been confirmed by published transcriptional studies. This variant has been observed in an individual affected with Fanconi anemia (PMID: 28717661). This variant is not present in population databases (ExAC no frequency). This sequence change creates a premature translational stop signal (p.Trp113*) in the FANCC gene. It is expected to result in an absent or disrupted protein product.

Leiden Open Variation Database
Classification: Pathogenic for Fanconi anemia complementation group C. Last evaluated: 2020-02-28. Review status: no assertion criteria provided. Collection method: curation. Allele origin: germline. Affected: yes. Not counted in ClinVar's aggregate classification.
Comment: Curator: Arleen D. Auerbach. Submitter to LOVD: Daniela Pilonetto.

Literature cited by the submitters: PubMed 28717661 (cited by Ambry Genetics and Labcorp Genetics (formerly Invitae), Labcorp); PubMed 17924555 (cited by Labcorp Genetics (formerly Invitae), Labcorp).